The following is an entry in ClinVar:

NM_000143.4(FH):c.*4A>G

Gene: FH (fumarate hydratase; minus strand). Cytogenetic location: 1q43.
Variant type: single nucleotide variant.
Coding change: c.*4A>G on transcript NM_000143.4 (MANE Select); 4 bases downstream of the stop codon, A replaced by G.
Molecular consequence: 3 prime UTR variant.
Genome position (GRCh38, 1-based): chr1:241,497,824, T>C on the plus strand (A>G on the coding strand, the complement: FH is on the minus strand). VCF-style: chr1-241497824-T-C. GRCh37 (hg19) VCF-style: chr1-241661124-T-C.
Identifiers: ClinVar variation 3773043 (VCV003773043.1).

ClinVar aggregate classification (germline): Benign (1 of 4 stars; one submission).

Conditions:
Hereditary leiomyomatosis and renal cell cancer. Also called: MULTIPLE CUTANEOUS AND UTERINE LEIOMYOMATA 1, WITH OR WITHOUT RENAL CELL CARCINOMA; LEIOMYOMA, MULTIPLE CUTANEOUS; FH tumor predisposition syndrome; Reed syndrome; Multiple cutaneous and uterine leiomyomatosis; Cutaneous leiomyomata with uterine leiomyomata. Identifiers: Orphanet 523, MedGen C1708350, MONDO:0007888, OMIM 150800, HP:0007437. Disease mechanism: loss of function.

gnomAD v4.1: 2 of 1,589,258 alleles (0.00013%); highest among the groups gnomAD compares: Non-Finnish European, 0.00017%; no homozygotes.

Submission:

Myriad Genetics, Inc.
Classification: Benign for Hereditary leiomyomatosis and renal cell cancer. Last evaluated: 2024-10-22. Review status: criteria provided, single submitter. Criteria: Myriad Autosomal Dominant, Autosomal Recessive and X-Linked Classification Criteria (2023). Collection method: clinical testing. Allele origin: unknown.
Comment: This variant is considered benign. This variant occurs in the non-coding 3' untranslated region of the gene, and is not expected to impact protein function.